The following is an entry in ClinVar:

ClinVar aggregate classification (germline): Likely benign. Review status: criteria provided, multiple submitters, no conflicts (2 of 4 stars). 3 submissions from 3 submitters: Likely benign (3). Last evaluated 2024-04-10.

Allele frequency attached by ClinVar (database versions not stated): gnomAD exomes below 0.00001 and 0.00001; TOPMed below 0.00001.
gnomAD v4.1: 3 of 1,613,168 alleles (0.00019%); highest among the groups gnomAD compares: African/African-American, 0.0013%; no homozygotes.

Submissions (3):

Women's Health and Genetics/Laboratory Corporation of America, LabCorp
Classification: Likely benign. Last evaluated: 2024-04-10. Review status: criteria provided, single submitter. Criteria: LabCorp Variant Classification Summary - May 2015. Collection method: clinical testing. Allele origin: germline.

Labcorp Genetics (formerly Invitae), Labcorp
Classification: Likely benign. Last evaluated: 2023-06-23. Review status: criteria provided, single submitter. Criteria: Invitae Variant Classification Sherloc (09022015). Collection method: clinical testing. Allele origin: germline.

GeneDx
Classification: Likely benign. Last evaluated: 2016-10-13. Review status: criteria provided, single submitter. Criteria: GeneDx Variant Classification (06012015). Collection method: clinical testing. Allele origin: germline. Affected: yes.
Comment: This variant is considered likely benign or benign based on one or more of the following criteria: it is a conservative change, it occurs at a poorly conserved position in the protein, it is predicted to be benign by multiple in silico algorithms, and/or has population frequency not consistent with disease.

NM_022455.5(NSD1):c.1064-10C>T

Gene: NSD1 (nuclear receptor binding SET domain protein 1; plus strand). Cytogenetic location: 5q35.3.
Variant type: single nucleotide variant.
Coding change: c.1064-10C>T on transcript NM_022455.5 (MANE Select); 10 bases into the intron before coding-DNA position 1064, C replaced by T.
Molecular consequence: intron variant.
Genome position (GRCh38, 1-based): chr5:177,204,110, C>T. VCF-style: chr5-177204110-C-T. GRCh37 (hg19) VCF-style: chr5-176631111-C-T.
Other names: c.1064-10C>T (NM_001409301.1, NM_001409302.1, NM_001409303.1); c.644-10C>T (NM_001409304.1); c.311-10C>T (NM_001409305.1); c.191-10C>T (NM_001409306.1, NM_001409308.1, NM_001409307.1 and 3 more transcripts).
Identifiers: ClinVar variation 389959 (VCV000389959.7), dbSNP rs1057523596, ClinGen allele CA16605329.